The following is an entry in ClinVar:

NM_017780.4(CHD7):c.7045T>C (p.Tyr2349His)

Gene: CHD7 (chromodomain helicase DNA binding protein 7; plus strand). Cytogenetic location: 8q12.2.
Variant type: single nucleotide variant.
Coding change: c.7045T>C on transcript NM_017780.4 (MANE Select); coding-DNA position 7045, T replaced by C.
Protein change: p.Tyr2349His; replaces tyrosine 2349 with histidine.
Molecular consequence: missense variant. On other transcripts: intron variant (1).
Genome position (GRCh38, 1-based): chr8:60,856,083, T>C. VCF-style: chr8-60856083-T-C. GRCh37 (hg19) VCF-style: chr8-61768642-T-C.
Other names: c.1717-6146T>C (NM_001316690.1); short protein forms Y2349H.
Identifiers: ClinVar variation 3607625 (VCV003607625.2).

ClinVar aggregate classification (germline): Uncertain significance (1 of 4 stars; one submission).

Conditions:
CHARGE syndrome (CHARGE). Also called: Hittner Hirsch Kreh syndrome; CHARGE ASSOCIATION--COLOBOMA, HEART ANOMALY, CHOANAL ATRESIA, RETARDATION, GENITAL AND EAR ANOMALIES; Coloboma, heart anomaly, choanal atresia, retardation, genital and ear anomalies; CHARGE association; Hall-Hittner syndrome. Identifiers: Orphanet 138, MedGen C0265354, MONDO:0008965.

gnomAD v4.1: 5 of 1,611,696 alleles (0.00031%); highest among the groups gnomAD compares: Non-Finnish European, 0.00034%; no homozygotes.

Submission:

Labcorp Genetics (formerly Invitae), Labcorp
Classification: Uncertain significance for CHARGE syndrome. Last evaluated: 2024-06-26. Review status: criteria provided, single submitter. Criteria: Invitae Variant Classification Sherloc (09022015). Collection method: clinical testing. Allele origin: germline.
Comment: This sequence change replaces tyrosine, which is neutral and polar, with histidine, which is basic and polar, at codon 2349 of the CHD7 protein (p.Tyr2349His). This variant is not present in population databases (gnomAD no frequency). This variant has not been reported in the literature in individuals affected with CHD7-related conditions. Advanced modeling of protein sequence and biophysical properties (such as structural, functional, and spatial information, amino acid conservation, physicochemical variation, residue mobility, and thermodynamic stability) performed at Invitae indicates that this missense variant is not expected to disrupt CHD7 protein function with a negative predictive value of 95%. In summary, the available evidence is currently insufficient to determine the role of this variant in disease. Therefore, it has been classified as a Variant of Uncertain Significance.